The following is an entry in ClinVar:

ClinVar aggregate classification (germline): Uncertain significance. Review status: criteria provided, multiple submitters, no conflicts (2 of 4 stars). 2 submissions from 2 submitters: Uncertain significance (2). Last evaluated 2024-03-07.

Conditions:
Gastrointestinal stromal tumor. Also called: Gastrointestinal stromal tumor, somatic; Gastrointestinal stroma tumor. Identifiers: Orphanet 44890, MedGen C0238198, MeSH D046152, MONDO:0011719, OMIM 606764, HP:0100723.
Hereditary cancer-predisposing syndrome. Also called: Neoplastic Syndromes, Hereditary; Tumor predisposition; Hereditary Cancer Syndrome; Hereditary neoplastic syndrome. Identifiers: Orphanet 140162, MedGen C0027672, MeSH D009386, MONDO:0015356.

gnomAD v4.1: 3 of 1,614,042 alleles (0.00019%); highest among the groups gnomAD compares: Non-Finnish European, 0.00025%; no homozygotes.

Submissions (2):

Ambry Genetics
Classification: Uncertain significance for Hereditary cancer-predisposing syndrome. Last evaluated: 2024-03-07. Review status: criteria provided, single submitter. Criteria: Ambry Variant Classification Scheme 2023. Collection method: clinical testing. Allele origin: germline.
Comment: The p.Y101F variant (also known as c.302A>T), located in coding exon 2 of the PDGFRA gene, results from an A to T substitution at nucleotide position 302. The tyrosine at codon 101 is replaced by phenylalanine, an amino acid with highly similar properties. This amino acid position is conserved. In addition, this alteration is predicted to be tolerated by in silico analysis. Based on the available evidence, the clinical significance of this alteration remains unclear.

Labcorp Genetics (formerly Invitae), Labcorp
Classification: Uncertain significance for Gastrointestinal stromal tumor. Last evaluated: 2022-12-31. Review status: criteria provided, single submitter. Criteria: Invitae Variant Classification Sherloc (09022015). Collection method: clinical testing. Allele origin: germline.
Comment: In summary, the available evidence is currently insufficient to determine the role of this variant in disease. Therefore, it has been classified as a Variant of Uncertain Significance. Advanced modeling of protein sequence and biophysical properties (such as structural, functional, and spatial information, amino acid conservation, physicochemical variation, residue mobility, and thermodynamic stability) performed at Invitae indicates that this missense variant is not expected to disrupt PDGFRA protein function. ClinVar contains an entry for this variant (Variation ID: 854128). This variant has not been reported in the literature in individuals affected with PDGFRA-related conditions. This variant is not present in population databases (gnomAD no frequency). This sequence change replaces tyrosine, which is neutral and polar, with phenylalanine, which is neutral and non-polar, at codon 101 of the PDGFRA protein (p.Tyr101Phe).

NM_006206.6(PDGFRA):c.302A>T (p.Tyr101Phe)

Gene: PDGFRA (platelet derived growth factor receptor alpha; plus strand). Cytogenetic location: 4q12.
Variant type: single nucleotide variant.
Coding change: c.302A>T on transcript NM_006206.6 (MANE Select); coding-DNA position 302, A replaced by T.
Protein change: p.Tyr101Phe; replaces tyrosine 101 with phenylalanine.
Molecular consequence: missense variant.
Genome position (GRCh38, 1-based): chr4:54,261,347, A>T. VCF-style: chr4-54261347-A-T. GRCh37 (hg19) VCF-style: chr4-55127514-A-T.
Other names: c.302A>T, p.Tyr101Phe (NM_001347827.2, NM_001347829.2); c.377A>T, p.Tyr126Phe (NM_001347828.2); c.341A>T, p.Tyr114Phe (NM_001347830.2); short protein forms Y126F, Y101F, Y114F.
Identifiers: ClinVar variation 854128 (VCV000854128.11), dbSNP rs779726497, ClinGen allele CA356888857.